The following is an entry in ClinVar:

NM_001378183.1(PIEZO2):c.2449G>C (p.Asp817His)

Gene: PIEZO2 (piezo type mechanosensitive ion channel component 2; minus strand). Cytogenetic location: 18p11.22.
Variant type: single nucleotide variant.
Coding change: c.2449G>C on transcript NM_001378183.1 (MANE Select); coding-DNA position 2449, G replaced by C.
Protein change: p.Asp817His; replaces aspartic acid 817 with histidine.
Molecular consequence: missense variant.
Genome position (GRCh38, 1-based): chr18:10,784,827, C>G on the plus strand (G>C on the coding strand, the complement: PIEZO2 is on the minus strand). VCF-style: chr18-10784827-C-G. GRCh37 (hg19) VCF-style: chr18-10784825-C-G.
Other names: c.2449G>C (NM_022068.3); c.2449G>C, p.Asp817His (NM_001410871.1, NM_022068.4); short protein forms D817H.
Identifiers: ClinVar variation 2387383 (VCV002387383.4), dbSNP rs375966918, ClinGen allele CA8892660.

ClinVar aggregate classification (germline): Uncertain significance. Review status: criteria provided, multiple submitters, no conflicts (2 of 4 stars). 3 submissions from 3 submitters: Uncertain significance (3). Last evaluated 2023-08-30.

Conditions:
PIEZO2-related disorder. Also called: PIEZO2-related disorders; PIEZO2-related condition.
Arthrogryposis, distal, with impaired proprioception and touch (DAIPT). Identifiers: MedGen C4310692, MONDO:0014941, OMIM 617146.
Arthrogryposis- oculomotor limitation-electroretinal anomalies syndrome. Also called: ARTHROGRYPOSIS, DISTAL, TYPE 5; ARTHROGRYPOSIS WITH OCULOMOTOR LIMITATION AND ELECTRORETINAL ABNORMALITIES; ARTHROGRYPOSIS, DISTAL, TYPE IIB. Identifiers: Orphanet 1154, MedGen C1862472, MONDO:0007158, OMIM 108145.
Gordon syndrome (DA3). Also called: ARTHROGRYPOSIS MULTIPLEX CONGENITA, DISTAL, TYPE IIA; CAMPTODACTYLY, CLEFT PALATE, AND CLUBFOOT; Gordon's syndrome. Identifiers: Orphanet 376, MedGen C0220666, MONDO:0007252, OMIM 114300.
Marden-Walker syndrome (MWKS). Also called: Connective tissue disorder Marden Walker type. Identifiers: Orphanet 2461, MedGen C0796033, MONDO:0009564, OMIM 248700.
Inborn genetic diseases. Identifiers: MedGen C0950123, MeSH D030342.

Allele frequency attached by ClinVar (database versions not stated): ESP Exome Variant Server 0.00044.
gnomAD v4.1: 34 of 1,537,476 alleles (0.0022%); highest among the groups gnomAD compares: Admixed American, 0.024%; no homozygotes.

Submissions (3):

PreventionGenetics, part of Exact Sciences
Classification: Uncertain significance for PIEZO2-related condition. Last evaluated: 2023-08-30. Review status: criteria provided, single submitter. Criteria: ACMG Guidelines, 2015. Collection method: clinical testing. Allele origin: germline.
Comment: The PIEZO2 c.2449G>C variant is predicted to result in the amino acid substitution p.Asp817His. To our knowledge, this variant has not been reported in the literature. This variant is reported in 0.020% of alleles in individuals of Latino descent in gnomAD. At this time, the clinical significance of this variant is uncertain due to the absence of conclusive functional and genetic evidence.

Department of Pathology and Laboratory Medicine, Sinai Health System
Classification: Uncertain significance for Arthrogryposis- oculomotor limitation-electroretinal anomalies syndrome; Gordon syndrome; Marden-Walker syndrome; Arthrogryposis, distal, with impaired proprioception and touch. Last evaluated: 2021-11-08. Review status: criteria provided, single submitter. Criteria: ACMG Guidelines, 2015. Collection method: research. Allele origin: germline.

Ambry Genetics
Classification: Uncertain significance for Inborn genetic diseases. Last evaluated: 2021-09-27. Review status: criteria provided, single submitter. Criteria: Ambry Variant Classification Scheme 2023. Collection method: clinical testing. Allele origin: germline.